The following is an entry in ClinVar:

NM_003476.5(CSRP3):c.365G>A (p.Arg122Gln)

Gene: CSRP3 (cysteine and glycine rich protein 3; minus strand). Cytogenetic location: 11p15.1.
Variant type: single nucleotide variant.
Coding change: c.365G>A on transcript NM_003476.5 (MANE Select); coding-DNA position 365, G replaced by A.
Protein change: p.Arg122Gln; replaces arginine 122 with glutamine.
Molecular consequence: missense variant.
Genome position (GRCh38, 1-based): chr11:19,186,265, C>T on the plus strand (G>A on the coding strand, the complement: CSRP3 is on the minus strand). VCF-style: chr11-19186265-C-T. GRCh37 (hg19) VCF-style: chr11-19207812-C-T.
Other names: c.196G>A, p.Asp66Asn (NM_001369404.1); c.365G>A (LRG_440t1); short protein forms R122Q, D66N.
Identifiers: ClinVar variation 35966 (VCV000035966.18), dbSNP rs193922667, ClinGen allele CA325720.

ClinVar aggregate classification (germline): Conflicting classifications of pathogenicity. Review status: criteria provided, conflicting classifications (1 of 4 stars). 8 submissions from 8 submitters: Likely pathogenic (2); Uncertain significance (1). 5 of the submissions do not count toward it. Last evaluated 2026-06-17.

Conditions:
Cardiovascular phenotype. Identifiers: MedGen CN230736.
Dilated cardiomyopathy 1M (CMD1M). Identifiers: Orphanet 154, MedGen C1843808, MONDO:0011840, OMIM 607482.
Hypertrophic cardiomyopathy 12. Identifiers: MedGen C2677491, MONDO:0012804, OMIM 612124.
Cardiomyopathy (CMYO). Also called: Cardiomyopathies. Identifiers: Orphanet 167848, MedGen C0878544, MONDO:0004994, HP:0001638. Inheritance: Various modes of inheritance.

Allele frequency attached by ClinVar (database versions not stated): TOPMed 0.00002; gnomAD exomes 0.00001; gnomAD 0.00004; ExAC 0.00001.
gnomAD v4.1: 21 of 1,614,200 alleles (0.0013%); highest among the groups gnomAD compares: African/African-American, 0.0093%; no homozygotes.

Submissions (8):

Ambry Genetics
Classification: Uncertain significance for Cardiovascular phenotype. Last evaluated: 2026-06-17. Review status: criteria provided, single submitter. Criteria: Ambry Variant Classification Scheme 2023. Collection method: clinical testing. Allele origin: germline.
Comment: The p.R122Q variant (also known as c.365G>A), located in coding exon 3 of the CSRP3 gene, results from a G to A substitution at nucleotide position 365. The arginine at codon 122 is replaced by glutamine, an amino acid with highly similar properties. This alteration has been reported in a hypertrophic cardiomyopathy (HCM) cohort; however, clinical details were limited (Darwish RK et al. Cardiol Young, 2020 Dec;30:1910-1916). This amino acid position is highly conserved in available vertebrate species. In addition, this alteration is predicted to be deleterious by in silico analysis. Since supporting evidence is limited at this time, the clinical significance of this alteration remains unclear.

Labcorp Genetics (formerly Invitae), Labcorp
Classification: Likely pathogenic for Hypertrophic cardiomyopathy 12; Dilated cardiomyopathy 1M. Last evaluated: 2026-01-31. Review status: criteria provided, single submitter. Criteria: Invitae Variant Classification Sherloc (09022015). Collection method: clinical testing. Allele origin: germline.
Comment: This sequence change replaces arginine, which is basic and polar, with glutamine, which is neutral and polar, at codon 122 of the CSRP3 protein (p.Arg122Gln). This variant is present in population databases (rs193922667, gnomAD 0.004%). This missense change has been observed in individuals with hypertrophic cardiomyopathy (PMID: 33012304; internal data). ClinVar contains an entry for this variant (Variation ID: 35966). An algorithm developed to predict the effect of missense changes on protein structure and function (PolyPhen-2) suggests that this variant is likely to be disruptive. In summary, the currently available evidence indicates that the variant is pathogenic, but additional data are needed to prove that conclusively. Therefore, this variant has been classified as Likely Pathogenic.

Women's Health and Genetics/Laboratory Corporation of America, LabCorp
Classification: Likely pathogenic for Cardiomyopathy. Last evaluated: 2011-08-18. Review status: criteria provided, single submitter. Criteria: LabCorp Variant Classification Summary - May 2015. Collection method: curation. Allele origin: germline. Inheritance: autosomal unknown. Affected: yes.
ClinVar note: Converted during submission from likely pathogenic to Likely pathogenic.

Clinical Genetics DNA and cytogenetics Diagnostics Lab, Erasmus MC, Erasmus Medical Center
Classification: Uncertain significance. Review status: no assertion criteria provided. Collection method: clinical testing. Allele origin: germline. Affected: yes. Study: VKGL Data-share Consensus. Not counted in ClinVar's aggregate classification.

Clinical Genetics, Academic Medical Center
Classification: Uncertain significance. Review status: no assertion criteria provided. Collection method: clinical testing. Allele origin: germline. Affected: yes. Study: VKGL Data-share Consensus. Not counted in ClinVar's aggregate classification.

Diagnostic Laboratory, Department of Genetics, University Medical Center Groningen
Classification: Uncertain significance. Review status: no assertion criteria provided. Collection method: clinical testing. Allele origin: germline. Affected: yes. Study: VKGL Data-share Consensus. Not counted in ClinVar's aggregate classification.

Genome Diagnostics Laboratory, University Medical Center Utrecht
Classification: Uncertain significance. Review status: no assertion criteria provided. Collection method: clinical testing. Allele origin: germline. Affected: yes. Study: VKGL Data-share Consensus. Not counted in ClinVar's aggregate classification.

Joint Genome Diagnostic Labs from Nijmegen and Maastricht, Radboudumc and MUMC+
Classification: Uncertain significance. Review status: no assertion criteria provided. Collection method: clinical testing. Allele origin: germline. Affected: yes. Study: VKGL Data-share Consensus. Not counted in ClinVar's aggregate classification.

Literature cited by the submitters: PubMed 33012304 (cited by Ambry Genetics and Labcorp Genetics (formerly Invitae), Labcorp); PubMed 38666070 (cited by Ambry Genetics).